The following is an entry in ClinVar:

ClinVar aggregate classification (germline): Likely pathogenic. Review status: criteria provided, multiple submitters, no conflicts (2 of 4 stars). 2 submissions from 2 submitters: Likely pathogenic (2). Last evaluated 2025-06-02.

Conditions:
Hereditary cancer-predisposing syndrome. Also called: Hereditary neoplastic syndrome; Hereditary Cancer Syndrome; Neoplastic Syndromes, Hereditary; Tumor predisposition. Identifiers: Orphanet 140162, MedGen C0027672, MeSH D009386, MONDO:0015356.

Allele frequency attached by ClinVar (database versions not stated): gnomAD exomes below 0.00001.
gnomAD v4.1: 1 of 1,586,404 alleles (0.000063%); highest among the groups gnomAD compares: Non-Finnish European, 0.000086%; no homozygotes.

Submissions (2):

Ambry Genetics
Classification: Likely pathogenic for Hereditary cancer-predisposing syndrome. Last evaluated: 2025-06-02. Review status: criteria provided, single submitter. Criteria: Ambry Variant Classification Scheme 2023. Collection method: clinical testing. Allele origin: germline.
Comment: The c.1145-1G>A intronic variant results from a G to A substitution one nucleotide upstream from coding exon 11 of the PMS2 gene. This nucleotide position is highly conserved in available vertebrate species. In silico splice site analysis predicts that this alteration will weaken the native splice acceptor site and will result in the creation or strengthening of a novel splice acceptor site. RNA studies have demonstrated that this alteration results in abnormal splicing in the set of samples tested (Ambry internal data). Alterations that disrupt the canonical splice site are expected to cause aberrant splicing, resulting in an abnormal protein or a transcript that is subject to nonsense-mediated mRNA decay. As such, this alteration is classified as likely pathogenic.

Color Diagnostics, LLC DBA Color Health
Classification: Likely pathogenic for Hereditary cancer-predisposing syndrome. Last evaluated: 2022-02-14. Review status: criteria provided, single submitter. Criteria: ACMG Guidelines, 2015. Collection method: clinical testing. Allele origin: germline.
Comment: This variant causes a G to A nucleotide substitution at the -1 position of intron 10 of the PMS2 gene. Splice site prediction tools suggest that this variant may have a significant impact on RNA splicing. Although this prediction has not been confirmed in published RNA studies, this variant is expected to result in an absent or disrupted protein product. This variant has not been reported in individuals affected with hereditary cancer in the literature. This variant has not been identified in the general population by the Genome Aggregation Database (gnomAD). A different variant affecting the same splice donor site, c.1145-2A>G , is known to be disease-causing (ClinVar ID: 822245). Loss of PMS2 function is a known mechanism of disease. Therefore, this variant is classified as Likely Pathogenic.

NM_000535.7(PMS2):c.1145-1G>A

Gene: PMS2 (PMS1 homolog 2, mismatch repair system component; minus strand). Cytogenetic location: 7p22.1.
Variant type: single nucleotide variant.
Coding change: c.1145-1G>A on transcript NM_000535.7 (MANE Select); the canonical splice acceptor site of the intron before coding-DNA position 1145, G replaced by A.
Molecular consequence: splice acceptor variant. On other transcripts: intron variant (1).
Genome position (GRCh38, 1-based): chr7:5,987,621, C>T on the plus strand (G>A on the coding strand, the complement: PMS2 is on the minus strand). VCF-style: chr7-5987621-C-T. GRCh37 (hg19) VCF-style: chr7-6027252-C-T.
Other names: c.827-1G>A (NM_001322008.2, NM_001406883.1, NM_001406903.1 and 2 more transcripts); c.836-1G>A (NM_001406881.1, NM_001406879.1, NM_001322015.2 and 5 more transcripts); c.740-1G>A (NM_001406895.1, NM_001322004.2, NM_001406889.1 and 16 more transcripts); c.374-1G>A (NM_001406911.1); c.584-1G>A (NM_001322010.2, NM_001406906.1, NM_001406907.1); c.671-1G>A (NM_001406902.1, NM_001406901.1); c.632-1G>A (NM_001406904.1, NM_001406905.1); c.572-1G>A (NM_001322013.2, NM_001406909.1); and 13 more.
Identifiers: ClinVar variation 2774136 (VCV002774136.3), dbSNP rs2128737525, ClinGen allele CA366742709.
Genomic context (GRCh38, chr7:5,987,621, plus strand): 5'-GATCCTGCTTTTCTACCATGGGCTTTTCCAAATCCGCTGCATGCATTTTTATTAAGTTAC[C>T]TAAGCAAACGTGGACGGAGAAGAGGGTCAGGGACTATCCTGAAATGGTGAGAGGACGTGC-3'